The following is an entry in ClinVar:

ClinVar aggregate classification (germline): Uncertain significance (1 of 4 stars; one submission).

Submission:

Institute for Clinical Genetics, University Hospital TU Dresden, University Hospital TU Dresden
Classification: Uncertain significance. Last evaluated: 2023-05-31. Review status: criteria provided, single submitter. Criteria: ACMG Guidelines, 2015. Collection method: clinical testing. Allele origin: maternal.
Comment: PP3, PM2_SUP, PP2

NM_021096.4(CACNA1I):c.4759A>C (p.Met1587Leu)

Gene: CACNA1I (calcium voltage-gated channel subunit alpha1 I; plus strand). Cytogenetic location: 22q13.1.
Variant type: single nucleotide variant.
Coding change: c.4759A>C on transcript NM_021096.4 (MANE Select); coding-DNA position 4759, A replaced by C.
Protein change: p.Met1587Leu; replaces methionine 1587 with leucine.
Molecular consequence: missense variant.
Genome position (GRCh38, 1-based): chr22:39,673,058, A>C. VCF-style: chr22-39673058-A-C. GRCh37 (hg19) VCF-style: chr22-40069063-A-C.
Other names: c.4654A>C, p.Met1552Leu (NM_001003406.2); short protein forms M1552L, M1587L.
Identifiers: ClinVar variation 2576146 (VCV002576146.1), dbSNP rs2518187789, ClinGen allele CA411629775.